The following is an entry in ClinVar:

ClinVar aggregate classification (germline): Likely benign (0 of 4 stars; one submission).

Conditions:
IFT172-related disorder. Also called: IFT172-related condition; IFT172-related disorders.

Submission:

PreventionGenetics, part of Exact Sciences
Classification: Likely benign for IFT172-related condition. Last evaluated: 2024-05-28. Review status: no assertion criteria provided. Collection method: clinical testing. Allele origin: germline.
Comment: This variant is classified as likely benign based on ACMG/AMP sequence variant interpretation guidelines (Richards et al. 2015 PMID: 25741868, with internal and published modifications).

NM_015662.3(IFT172):c.2286C>T (p.Ser762=)

Gene: IFT172 (intraflagellar transport 172; minus strand). Cytogenetic location: 2p23.3.
Variant type: single nucleotide variant.
Coding change: c.2286C>T on transcript NM_015662.3 (MANE Select); coding-DNA position 2286, C replaced by T.
Protein change: p.Ser762=; no amino-acid change (serine 762 retained).
Molecular consequence: synonymous variant.
Genome position (GRCh38, 1-based): chr2:27,461,425, G>A on the plus strand (C>T on the coding strand, the complement: IFT172 is on the minus strand). VCF-style: chr2-27461425-G-A. GRCh37 (hg19) VCF-style: chr2-27684292-G-A.
Other names: c.2220C>T, p.Ser740= (NM_001410739.1).
Identifiers: ClinVar variation 3344083 (VCV003344083.1).